The following is an entry in ClinVar:

NM_005633.4(SOS1):c.2186G>T (p.Trp729Leu)

Gene: SOS1 (SOS Ras/Rac guanine nucleotide exchange factor 1; minus strand). Cytogenetic location: 2p22.1.
Variant type: single nucleotide variant.
Coding change: c.2186G>T on transcript NM_005633.4 (MANE Select); coding-DNA position 2186, G replaced by T.
Protein change: p.Trp729Leu; replaces tryptophan 729 with leucine.
Molecular consequence: missense variant.
Genome position (GRCh38, 1-based): chr2:39,012,330, C>A on the plus strand (G>T on the coding strand, the complement: SOS1 is on the minus strand). VCF-style: chr2-39012330-C-A. GRCh37 (hg19) VCF-style: chr2-39239471-C-A.
Other names: c.2165G>T, p.Trp722Leu (NM_001382394.1); c.2186G>T, p.Trp729Leu (NM_001382395.1); short protein forms W729L, W722L.
Identifiers: ClinVar variation 3720319 (VCV003720319.2).

ClinVar aggregate classification (germline): Pathogenic (1 of 4 stars; one submission).

Conditions:
RASopathy. Also called: Noonan spectrum disorder; rasopathies. Identifiers: Orphanet 536391, MedGen C5555857, MONDO:0021060.

Submission:

Labcorp Genetics (formerly Invitae), Labcorp
Classification: Pathogenic for RASopathy. Last evaluated: 2024-10-29. Review status: criteria provided, single submitter. Criteria: Invitae Variant Classification Sherloc (09022015). Collection method: clinical testing. Allele origin: germline.
Comment: This sequence change replaces tryptophan, which is neutral and slightly polar, with leucine, which is neutral and non-polar, at codon 729 of the SOS1 protein (p.Trp729Leu). This variant is not present in population databases (gnomAD no frequency). This missense change has been observed in individual(s) with Noonan syndrome (PMID: 17143282, 25862627; internal data). In at least one individual the variant was observed to be de novo. Invitae Evidence Modeling of protein sequence and biophysical properties (such as structural, functional, and spatial information, amino acid conservation, physicochemical variation, residue mobility, and thermodynamic stability) has been performed for this missense variant. However, the output from this modeling did not meet the statistical confidence thresholds required to predict the impact of this variant on SOS1 protein function. Experimental studies have shown that this missense change affects SOS1 function (PMID: 17143282). For these reasons, this variant has been classified as Pathogenic.

Literature cited by the submitters: PubMed 17143282; PubMed 25862627.